The following is an entry in ClinVar:

NM_014617.4(CRYGA):c.172C>T (p.Leu58=)

Gene: CRYGA (crystallin gamma A; minus strand). Cytogenetic location: 2q33.3.
Variant type: single nucleotide variant.
Coding change: c.172C>T on transcript NM_014617.4 (MANE Select); coding-DNA position 172, C replaced by T.
Protein change: p.Leu58=; no amino-acid change (leucine 58 retained).
Molecular consequence: synonymous variant.
Genome position (GRCh38, 1-based): chr2:208,163,284, G>A on the plus strand (C>T on the coding strand, the complement: CRYGA is on the minus strand). VCF-style: chr2-208163284-G-A. GRCh37 (hg19) VCF-style: chr2-209028008-G-A.
Identifiers: ClinVar variation 3039699 (VCV003039699.2), dbSNP rs116623945, ClinGen allele CA2078355.

ClinVar aggregate classification (germline): Likely benign (0 of 4 stars; one submission).

Conditions:
CRYGA-related disorder. Also called: CRYGA-related condition.

Allele frequency attached by ClinVar (database versions not stated): 1000 Genomes Project 30x 0.00016; ExAC 0.00016; gnomAD 0.00018; 1000 Genomes Project 0.00020; TOPMed 0.00023; gnomAD exomes 0.00025.
gnomAD v4.1: 413 of 1,614,058 alleles (0.026%); highest among the groups gnomAD compares: Middle Eastern, 0.87%; no homozygotes.

Submission:

PreventionGenetics, part of Exact Sciences
Classification: Likely benign for CRYGA-related condition. Last evaluated: 2019-05-28. Review status: no assertion criteria provided. Collection method: clinical testing. Allele origin: germline.
Comment: This variant is classified as likely benign based on ACMG/AMP sequence variant interpretation guidelines (Richards et al. 2015 PMID: 25741868, with internal and published modifications).